The following is an entry in ClinVar:

NM_004429.5(EFNB1):c.472A>G (p.Met158Val)

Gene: EFNB1 (ephrin B1; plus strand). Cytogenetic location: Xq13.1.
Variant type: single nucleotide variant.
Coding change: c.472A>G on transcript NM_004429.5 (MANE Select); coding-DNA position 472, A replaced by G.
Protein change: p.Met158Val; replaces methionine 158 with valine.
Molecular consequence: missense variant.
Genome position (GRCh38, 1-based): chrX:68,839,729, A>G. VCF-style: chrX-68839729-A-G. GRCh37 (hg19) VCF-style: chrX-68059572-A-G.
Other names: c.472A>G (NM_004429.4); short protein forms M158V.
Identifiers: ClinVar variation 11711 (VCV000011711.4), dbSNP rs28936071, ClinGen allele CA121636.

ClinVar aggregate classification (germline): Pathogenic/Likely pathogenic. Review status: criteria provided, multiple submitters, no conflicts (2 of 4 stars). 3 submissions from 3 submitters: Pathogenic (1); Likely pathogenic (1). 1 of the submissions does not count toward it. Last evaluated 2025-09-10.

Conditions:
Craniofrontonasal syndrome (CFNS). Also called: CRANIOFRONTONASAL DYSOSTOSIS. Identifiers: Orphanet 1520, MedGen C0220767, MONDO:0010570, OMIM 304110.

Submissions (3):

Dasa
Classification: Likely pathogenic. Last evaluated: 2025-09-10. Review status: criteria provided, single submitter. Criteria: DASA Assertion Criteria. Collection method: clinical testing. Allele origin: germline.
Comment: NM_004429.5(EFNB1):c.472A>G (p.Met158Val) is a missense variant that results in the substitution of methionine with valine. The affected residue or protein region has prior evidence supporting clinical relevance. This variant has been recurrently observed in individuals with EFNB1-related disorders (PMID: 15166289; PMID: 29215649). Also, this variant is absent from population databases. Computational evidence supports a deleterious effect. Based on the currently available evidence, this variant is classified as likely pathogenic.

GeneDx
Classification: Pathogenic. Last evaluated: 2023-08-15. Review status: criteria provided, single submitter. Criteria: GeneDx Variant Classification Process June 2021. Collection method: clinical testing. Allele origin: germline. Affected: yes.
Comment: Identified in an individual in the published literature with left sided craniosynostosis and partial agenesis of the corpus callosum (Twigg et al., 2004); In silico analysis supports that this missense variant has a deleterious effect on protein structure/function; Not observed at significant frequency in large population cohorts (gnomAD); This variant is associated with the following publications: (PMID: 15166289)

OMIM
Classification: Pathogenic for CRANIOFRONTONASAL SYNDROME. Last evaluated: 2004-06-08. Review status: no assertion criteria provided. Collection method: literature only. Allele origin: germline. Not counted in ClinVar's aggregate classification.

Literature cited by the submitters: PubMed 15166289 (cited by Dasa and OMIM); PubMed 29215649 (cited by Dasa).